The following is an entry in ClinVar:

NM_000287.4(PEX6):c.2666+1G>T

Gene: PEX6 (peroxisomal biogenesis factor 6; minus strand). Cytogenetic location: 6p21.1.
Variant type: single nucleotide variant.
Coding change: c.2666+1G>T on transcript NM_000287.4 (MANE Select); the canonical splice donor site of the intron after coding-DNA position 2666, G replaced by T.
Molecular consequence: splice donor variant.
Genome position (GRCh38, 1-based): chr6:42,965,074, C>A on the plus strand (G>T on the coding strand, the complement: PEX6 is on the minus strand). VCF-style: chr6-42965074-C-A. GRCh37 (hg19) VCF-style: chr6-42932812-C-A.
Other names: c.2402+1G>T (NM_001316313.2).
Identifiers: ClinVar variation 1066810 (VCV001066810.8), dbSNP rs2114236937, ClinGen allele CA364150532.

ClinVar aggregate classification (germline): Likely pathogenic. Review status: criteria provided, multiple submitters, no conflicts (2 of 4 stars). 2 submissions from 2 submitters: Likely pathogenic (2). Last evaluated 2023-08-03.

Conditions:
Heimler syndrome 2 (HMLR2). Also called: PEROXISOME BIOGENESIS DISORDER 4C. Identifiers: Orphanet 3220, MedGen C4225267, OMIM 616617, MONDO:0014709.
Peroxisome biogenesis disorder. Identifiers: Orphanet 79189, MedGen C1832200, MONDO:0019234. Disease mechanism: loss of function.

Submissions (2):

Baylor Genetics
Classification: Likely pathogenic for Heimler syndrome 2. Last evaluated: 2023-08-03. Review status: criteria provided, single submitter. Criteria: ACMG Guidelines, 2015. Collection method: clinical testing. Allele origin: unknown.

Labcorp Genetics (formerly Invitae), Labcorp
Classification: Likely pathogenic for Peroxisome biogenesis disorder. Last evaluated: 2021-08-26. Review status: criteria provided, single submitter. Criteria: Invitae Variant Classification Sherloc (09022015). Collection method: clinical testing. Allele origin: germline.
Comment: In summary, the currently available evidence indicates that the variant is pathogenic, but additional data are needed to prove that conclusively. Therefore, this variant has been classified as Likely Pathogenic. Donor and acceptor splice site variants typically lead to a loss of protein function (PMID: 16199547), and loss-of-function variants in PEX6 are known to be pathogenic (PMID: 8670792, 19877282, 21031596). Algorithms developed to predict the effect of sequence changes on RNA splicing suggest that this variant may disrupt the consensus splice site, but this prediction has not been confirmed by published transcriptional studies. This variant has not been reported in the literature in individuals with PEX6-related conditions. This variant is not present in population databases (ExAC no frequency). This sequence change affects a donor splice site in intron 15 of the PEX6 gene. It is expected to disrupt RNA splicing and likely results in an absent or disrupted protein product.

Literature cited by the submitters: PubMed 16199547 (cited by Labcorp Genetics (formerly Invitae), Labcorp); PubMed 8670792 (cited by Labcorp Genetics (formerly Invitae), Labcorp); PubMed 19877282 (cited by Labcorp Genetics (formerly Invitae), Labcorp); PubMed 21031596 (cited by Labcorp Genetics (formerly Invitae), Labcorp).